The following is an entry in ClinVar:

ClinVar aggregate classification (germline): Uncertain significance. Review status: criteria provided, multiple submitters, no conflicts (2 of 4 stars). 2 submissions from 2 submitters: Uncertain significance (2). Last evaluated 2025-11-22.

Conditions:
Cardiovascular phenotype. Identifiers: MedGen CN230736.

gnomAD v4.1: 15 of 1,614,200 alleles (0.00093%); highest among the groups gnomAD compares: South Asian, 0.0022%; no homozygotes.

Submissions (2):

Ambry Genetics
Classification: Uncertain significance for Cardiovascular phenotype. Last evaluated: 2025-11-22. Review status: criteria provided, single submitter. Criteria: Ambry Variant Classification Scheme 2023. Collection method: clinical testing. Allele origin: germline.
Comment: The p.P1185S variant (also known as c.3553C>T), located in coding exon 26 of the JAG1 gene, results from a C to T substitution at nucleotide position 3553. The proline at codon 1185 is replaced by serine, an amino acid with similar properties. This amino acid position is conserved. In addition, this alteration is predicted to be tolerated by in silico analysis. Based on the available evidence, the clinical significance of this variant remains unclear.

Blueprint Genetics
Classification: Uncertain significance. Last evaluated: 2022-09-01. Review status: criteria provided, single submitter. Criteria: ACMG Guidelines, 2015. Collection method: clinical testing. Allele origin: germline.

NM_000214.3(JAG1):c.3553C>T (p.Pro1185Ser)

Gene: JAG1 (jagged canonical Notch ligand 1; minus strand). Cytogenetic location: 20p12.2.
Variant type: single nucleotide variant.
Coding change: c.3553C>T on transcript NM_000214.3 (MANE Select); coding-DNA position 3553, C replaced by T.
Protein change: p.Pro1185Ser; replaces proline 1185 with serine.
Molecular consequence: missense variant.
Genome position (GRCh38, 1-based): chr20:10,639,602, G>A on the plus strand (C>T on the coding strand, the complement: JAG1 is on the minus strand). VCF-style: chr20-10639602-G-A. GRCh37 (hg19) VCF-style: chr20-10620250-G-A.
Other names: short protein forms P1185S.
Identifiers: ClinVar variation 4614287 (VCV004614287.2).
Genomic context (GRCh38, chr20:10,639,602, plus strand): 5'-AGTCTCTGTTGTCCTGTTTGTTTGTCCAGTTTGGGTGTTTTGTCGGCGTGCCGTTGGGGG[G>A]CTTCTCTTCTCTGTCTACCAGCGTGTACGCCGGCTGCTTGGCAAACCGGGCTTTCTGCTG-3'
Protein context (NP_000205.1, residues 1175-1195): AYTLVDREEK[Pro1185Ser]PNGTPTKHPN